The following is an entry in ClinVar:

ClinVar aggregate classification (germline): Uncertain significance. Review status: criteria provided, multiple submitters, no conflicts (2 of 4 stars). 2 submissions from 2 submitters: Uncertain significance (2). Last evaluated 2025-06-17.

Conditions:
Malignant hyperthermia, susceptibility to, 1 (MHS1). Also called: Anesthesia related hyperthermia; Malignant hyperpyrexia; Fulminating hyperpyrexia; Pharmacogenic myopathy; RYR1-Related Malignant Hyperthermia Susceptibility; Malignant hyperthermia suceptibility 1. Identifiers: Orphanet 423, MedGen C2930980, MONDO:0007783, OMIM 145600.

Allele frequency attached by ClinVar (database versions not stated): TOPMed below 0.00001; gnomAD exomes 0.00001.
gnomAD v4.1: 12 of 1,614,072 alleles (0.00074%); highest among the groups gnomAD compares: Non-Finnish European, 0.00076%; no homozygotes.

Submissions (2):

GeneDx
Classification: Uncertain significance. Last evaluated: 2025-06-17. Review status: criteria provided, single submitter. Criteria: GeneDx Variant Classification Process June 2021. Collection method: clinical testing. Allele origin: germline. Affected: yes.
Comment: Not observed at significant frequency in large population cohorts (gnomAD); In silico analysis supports that this missense variant has a deleterious effect on protein structure/function; Has not been previously published as pathogenic or benign to our knowledge

All of Us Research Program, National Institutes of Health
Classification: Uncertain significance for Malignant hyperthermia, susceptibility to, 1. Last evaluated: 2023-06-08. Review status: criteria provided, single submitter. Criteria: ACMG Guidelines, 2015. Collection method: clinical testing. Allele origin: germline. Inheritance: Autosomal dominant inheritance. Observed: 1 variant allele, 1 heterozygote.
Comment: This missense variant replaces alanine with threonine at codon 1550 of the RYR1 protein. Computational prediction is inconclusive regarding the impact of this variant on protein structure and function (internally defined REVEL score threshold 0.5 < inconclusive < 0.7, PMID: 27666373). To our knowledge, functional studies have not been reported for this variant. This variant has not been reported in individuals affected with RYR1-related disorders in the literature. This variant has not been identified in the general population by the Genome Aggregation Database (gnomAD). The available evidence is insufficient to determine the role of this variant in disease conclusively. Therefore, this variant is classified as a Variant of Uncertain Significance.

This study involves interpretation of variants in research participants for the purpose of population health screening. Participant phenotype was not available at the time of variant classification. Additional details can be found in publication PMID: 35346344, PMCID: PMC8962531

NM_000540.3(RYR1):c.4648G>A (p.Ala1550Thr)

Gene: RYR1 (ryanodine receptor 1; plus strand). Cytogenetic location: 19q13.2.
Variant type: single nucleotide variant.
Coding change: c.4648G>A on transcript NM_000540.3 (MANE Select); coding-DNA position 4648, G replaced by A.
Protein change: p.Ala1550Thr; replaces alanine 1550 with threonine.
Molecular consequence: missense variant.
Genome position (GRCh38, 1-based): chr19:38,483,054, G>A. VCF-style: chr19-38483054-G-A. GRCh37 (hg19) VCF-style: chr19-38973694-G-A.
Other names: c.4648G>A, p.Ala1550Thr (NM_001042723.2); short protein forms A1550T.
Identifiers: ClinVar variation 3071468 (VCV003071468.2), dbSNP rs1969092025, ClinGen allele CA405649377.